The following is an entry in ClinVar:

ClinVar aggregate classification (germline): Uncertain significance (1 of 4 stars; one submission).

Conditions:
Hereditary cancer-predisposing syndrome. Also called: Neoplastic Syndromes, Hereditary; Tumor predisposition; Hereditary Cancer Syndrome; Hereditary neoplastic syndrome. Identifiers: Orphanet 140162, MedGen C0027672, MeSH D009386, MONDO:0015356.

Submission:

Ambry Genetics
Classification: Uncertain significance for Hereditary cancer-predisposing syndrome. Last evaluated: 2021-05-27. Review status: criteria provided, single submitter. Criteria: Ambry Variant Classification Scheme 2023. Collection method: clinical testing. Allele origin: germline.
Comment: The p.G685V variant (also known as c.2054G>T), located in coding exon 12 of the PMS2 gene, results from a G to T substitution at nucleotide position 2054. The glycine at codon 685 is replaced by valine, an amino acid with dissimilar properties. This amino acid position is highly conserved in available vertebrate species. In addition, this alteration is predicted to be deleterious by in silico analysis. Since supporting evidence is limited at this time, the clinical significance of this alteration remains unclear.

NM_000535.7(PMS2):c.2054G>T (p.Gly685Val)

Gene: PMS2 (PMS1 homolog 2, mismatch repair system component; minus strand). Cytogenetic location: 7p22.1.
Variant type: single nucleotide variant.
Coding change: c.2054G>T on transcript NM_000535.7 (MANE Select); coding-DNA position 2054, G replaced by T.
Protein change: p.Gly685Val; replaces glycine 685 with valine.
Molecular consequence: missense variant. On other transcripts: non-coding transcript variant (1).
Genome position (GRCh38, 1-based): chr7:5,982,944, C>A on the plus strand (G>T on the coding strand, the complement: PMS2 is on the minus strand). VCF-style: chr7-5982944-C-A. GRCh37 (hg19) VCF-style: chr7-6022575-C-A.
Other names: c.1649G>T, p.Gly550Val (NM_001018040.1, NM_001322003.2, NM_001322004.2 and 15 more transcripts); c.1898G>T, p.Gly633Val (NM_001322006.2, NM_001406870.1); c.1736G>T, p.Gly579Val (NM_001322007.2, NM_001322008.2, NM_001406876.1 and 1 more transcripts); c.1493G>T, p.Gly498Val (NM_001322010.2, NM_001406906.1, NM_001406907.1); c.1121G>T, p.Gly374Val (NM_001322011.2, NM_001322012.2); c.1481G>T, p.Gly494Val (NM_001322013.2, NM_001406909.1); c.2054G>T, p.Gly685Val (NM_001322014.2, NM_001406871.1); c.1745G>T, p.Gly582Val (NM_001322015.2, NM_001406875.1, NM_001406877.1 and 5 more transcripts); and 13 more; short protein forms G527V, G633V, G284V, G498V, G530V, G573V, G579V, G649V.
Identifiers: ClinVar variation 1785112 (VCV001785112.2), dbSNP rs1554295923, ClinGen allele CA366738095.